The following is an entry in ClinVar:

NM_133372.3(FNIP1):c.2712C>G (p.Asp904Glu)

Gene: FNIP1 (folliculin interacting protein 1; minus strand). Cytogenetic location: 5q31.1.
Variant type: single nucleotide variant.
Coding change: c.2712C>G on transcript NM_133372.3 (MANE Select); coding-DNA position 2712, C replaced by G.
Protein change: p.Asp904Glu; replaces aspartic acid 904 with glutamic acid.
Molecular consequence: missense variant.
Genome position (GRCh38, 1-based): chr5:131,671,732, G>C on the plus strand (C>G on the coding strand, the complement: FNIP1 is on the minus strand). VCF-style: chr5-131671732-G-C. GRCh37 (hg19) VCF-style: chr5-131007425-G-C.
Other names: c.2628C>G, p.Asp876Glu (NM_001008738.3); c.2577C>G, p.Asp859Glu (NM_001346114.2); short protein forms D859E, D904E, D876E.
Identifiers: ClinVar variation 2042018 (VCV002042018.29), dbSNP rs144448122, ClinGen allele CA3400473.
Genomic context (GRCh38, chr5:131,671,732, plus strand): 5'-TTTTTTATCTGAACTCTCTTTATCCCCATGGGGGACAAGAATGGAGAGTGTATCTCTTTG[G>C]TCCTGCTGAGGAAAGCAGGTTTTACATGAATCTTGGGGAACTGTTTCTATACATTTACAA-3'
Protein context (NP_588613.3, residues 894-914): DSCKTCFPQQ[Asp904Glu]QRDTLSILVP

ClinVar aggregate classification (germline): Benign/Likely benign. Review status: criteria provided, multiple submitters, no conflicts (2 of 4 stars). 3 submissions from 3 submitters: Benign (1); Likely benign (2). Last evaluated 2026-01-22.

Allele frequency attached by ClinVar (database versions not stated): TOPMed 0.00049; ExAC 0.00052; gnomAD 0.00052; ESP Exome Variant Server 0.00069; gnomAD exomes 0.00075.
gnomAD v4.1: 1,166 of 1,614,062 alleles (0.072%); highest among the groups gnomAD compares: Middle Eastern, 0.2%; 2 homozygotes.

Submissions (3):

Labcorp Genetics (formerly Invitae), Labcorp
Classification: Benign. Last evaluated: 2026-01-22. Review status: criteria provided, single submitter. Criteria: Invitae Variant Classification Sherloc (09022015). Collection method: clinical testing. Allele origin: germline.

Laboratory of Genetics, Children's Clinical University Hospital Latvia
Classification: Likely benign. Last evaluated: 2025-02-16. Review status: criteria provided, single submitter. Criteria: ACMG Guidelines, 2015. Collection method: clinical testing. Allele origin: germline. Affected: yes.

CeGaT Center for Human Genetics Tuebingen
Classification: Likely benign. Last evaluated: 2023-10-01. Review status: criteria provided, single submitter. Criteria: CeGaT Center For Human Genetics Tuebingen Variant Classification Criteria Version 2. Collection method: clinical testing. Allele origin: germline. Affected: yes. Observed: 1 variant allele.
Comment: FNIP1: BP4, BS2